The following is an entry in ClinVar:

NM_002439.5(MSH3):c.1653+3C>T

Gene: MSH3 (mutS homolog 3; plus strand). Cytogenetic location: 5q14.1.
Variant type: single nucleotide variant.
Coding change: c.1653+3C>T on transcript NM_002439.5 (MANE Select); 3 bases into the intron after coding-DNA position 1653, C replaced by T.
Molecular consequence: intron variant.
Genome position (GRCh38, 1-based): chr5:80,741,551, C>T. VCF-style: chr5-80741551-C-T. GRCh37 (hg19) VCF-style: chr5-80037370-C-T.
Other names: c.1653+3C>T (NM_002439.3).
Identifiers: ClinVar variation 2107199 (VCV002107199.5), dbSNP rs975681352, ClinGen allele CA2580073525.

ClinVar aggregate classification (germline): Conflicting classifications of pathogenicity. Review status: criteria provided, conflicting classifications (1 of 4 stars). 2 submissions from 2 submitters: Uncertain significance (1); Likely benign (1). Last evaluated 2025-08-04.

Conditions:
Hereditary cancer-predisposing syndrome. Also called: Neoplastic Syndromes, Hereditary; Hereditary Cancer Syndrome; Hereditary neoplastic syndrome; Tumor predisposition. Identifiers: Orphanet 140162, MedGen C0027672, MeSH D009386, MONDO:0015356.

Submissions (2):

Ambry Genetics
Classification: Uncertain significance for Hereditary cancer-predisposing syndrome. Last evaluated: 2025-08-04. Review status: criteria provided, single submitter. Criteria: Ambry Variant Classification Scheme 2023. Collection method: clinical testing. Allele origin: germline.
Comment: The c.1653+3C>T intronic variant results from a C to T substitution 3 nucleotides after coding exon 11 in the MSH3 gene. This nucleotide position is not well conserved in available vertebrate species. In silico splice site analysis predicts that this alteration will not have any significant effect on splicing. Based on the available evidence, the clinical significance of this variant remains unclear.

Labcorp Genetics (formerly Invitae), Labcorp
Classification: Likely benign. Last evaluated: 2023-12-11. Review status: criteria provided, single submitter. Criteria: Invitae Variant Classification Sherloc (09022015). Collection method: clinical testing. Allele origin: germline.